The following is an entry in ClinVar:

NM_006767.4(LZTR1):c.1582C>T (p.Leu528Phe)

Gene: LZTR1 (leucine zipper like post translational regulator 1; plus strand). Cytogenetic location: 22q11.21.
Variant type: single nucleotide variant.
Coding change: c.1582C>T on transcript NM_006767.4 (MANE Select); coding-DNA position 1582, C replaced by T.
Protein change: p.Leu528Phe; replaces leucine 528 with phenylalanine.
Molecular consequence: missense variant.
Genome position (GRCh38, 1-based): chr22:20,994,236, C>T. VCF-style: chr22-20994236-C-T. GRCh37 (hg19) VCF-style: chr22-21348525-C-T.
Other names: short protein forms L528F.
Identifiers: ClinVar variation 1775735 (VCV001775735.4), dbSNP rs1331354829, ClinGen allele CA410776120.

ClinVar aggregate classification (germline): Uncertain significance. Review status: criteria provided, multiple submitters, no conflicts (2 of 4 stars). 2 submissions from 2 submitters: Uncertain significance (2). Last evaluated 2024-07-21.

Conditions:
Cardiovascular phenotype. Identifiers: MedGen CN230736.
Hereditary cancer-predisposing syndrome. Also called: Neoplastic Syndromes, Hereditary; Tumor predisposition; Hereditary Cancer Syndrome; Hereditary neoplastic syndrome. Identifiers: Orphanet 140162, MedGen C0027672, MeSH D009386, MONDO:0015356.

Allele frequency attached by ClinVar (database versions not stated): gnomAD exomes below 0.00001.
gnomAD v4.1: 3 of 1,599,776 alleles (0.00019%); highest among the groups gnomAD compares: East Asian, 0.0022%; no homozygotes.

Submissions (2):

Labcorp Genetics (formerly Invitae), Labcorp
Classification: Uncertain significance. Last evaluated: 2024-07-21. Review status: criteria provided, single submitter. Criteria: Invitae Variant Classification Sherloc (09022015). Collection method: clinical testing. Allele origin: germline.
Comment: This sequence change replaces leucine, which is neutral and non-polar, with phenylalanine, which is neutral and non-polar, at codon 528 of the LZTR1 protein (p.Leu528Phe). This variant is present in population databases (no rsID available, gnomAD 0.006%). This variant has not been reported in the literature in individuals affected with LZTR1-related conditions. ClinVar contains an entry for this variant (Variation ID: 1775735). Advanced modeling of protein sequence and biophysical properties (such as structural, functional, and spatial information, amino acid conservation, physicochemical variation, residue mobility, and thermodynamic stability) performed at Invitae indicates that this missense variant is not expected to disrupt LZTR1 protein function with a negative predictive value of 80%. In summary, the available evidence is currently insufficient to determine the role of this variant in disease. Therefore, it has been classified as a Variant of Uncertain Significance.

Ambry Genetics
Classification: Uncertain significance for Cardiovascular phenotype; Hereditary cancer-predisposing syndrome. Last evaluated: 2021-07-02. Review status: criteria provided, single submitter. Criteria: Ambry Variant Classification Scheme 2023. Collection method: clinical testing. Allele origin: germline.
Comment: The p.L528F variant (also known as c.1582C>T), located in coding exon 14 of the LZTR1 gene, results from a C to T substitution at nucleotide position 1582. The leucine at codon 528 is replaced by phenylalanine, an amino acid with highly similar properties. This amino acid position is highly conserved in available vertebrate species. In addition, the in silico prediction for this alteration is inconclusive. Since supporting evidence is limited at this time, the clinical significance of this alteration remains unclear.